The following is an entry in ClinVar:

ClinVar aggregate classification (germline): Likely benign. Review status: criteria provided, multiple submitters, no conflicts (2 of 4 stars). 2 submissions from 2 submitters: Likely benign (2). Last evaluated 2024-11-04.

Conditions:
SMCHD1-related disorder. Also called: SMCHD1-related condition.

Submissions (2):

Blueprint Genetics
Classification: Likely benign. Last evaluated: 2024-11-04. Review status: criteria provided, single submitter. Criteria: ACMG Guidelines, 2015. Collection method: clinical testing. Allele origin: germline.

PreventionGenetics, part of Exact Sciences
Classification: Likely benign for SMCHD1-related condition. Last evaluated: 2024-10-09. Review status: criteria provided, single submitter. Criteria: ACMG Guidelines, 2015. Collection method: clinical testing. Allele origin: germline.
Comment: This variant is classified as likely benign based on ACMG/AMP sequence variant interpretation guidelines (Richards et al. 2015 PMID: 25741868, with internal and published modifications).

NM_015295.3(SMCHD1):c.3634-27_3634-26dup

Gene: SMCHD1 (structural maintenance of chromosomes flexible hinge domain containing 1; plus strand). Cytogenetic location: 18p11.32.
Variant type: Duplication.
Coding change: c.3634-27_3634-26dup on transcript NM_015295.3 (MANE Select); 27 bases into the intron before coding-DNA position 3634 through 26 bases into the intron before coding-DNA position 3634, 2 bases duplicated (CT; older notation c.3634-27_3634-26dupCT).
Molecular consequence: intron variant.
Genome position (GRCh38, 1-based): chr18:2,743,734-2,743,735, CT duplicated; duplicating any 2 consecutive bases within chr18:2,743,733-2,743,735 gives the same sequence; the c. name uses the placement nearest the transcript's 3' end. VCF-style (leftmost placement, unchanged base first): chr18-2743732-G-GTC. GRCh37 (hg19) VCF-style: chr18-2743730-G-GTC.
Other names: c.3634-27_3634-26dupCT (NM_015295.2).
Identifiers: ClinVar variation 4937846 (VCV004937846.2).